The following is an entry in ClinVar:

NM_001376.5(DYNC1H1):c.12269C>T (p.Ser4090Leu)

Gene: DYNC1H1 (dynein cytoplasmic 1 heavy chain 1; plus strand). Cytogenetic location: 14q32.31.
Variant type: single nucleotide variant.
Coding change: c.12269C>T on transcript NM_001376.5 (MANE Select); coding-DNA position 12269, C replaced by T.
Protein change: p.Ser4090Leu; replaces serine 4090 with leucine.
Molecular consequence: missense variant.
Genome position (GRCh38, 1-based): chr14:102,042,282, C>T. VCF-style: chr14-102042282-C-T. GRCh37 (hg19) VCF-style: chr14-102508619-C-T.
Other names: short protein forms S4090L.
Identifiers: ClinVar variation 1754243 (VCV001754243.6), dbSNP rs1278705600, ClinGen allele CA391040419.
Genomic context (GRCh38, chr14:102,042,282, plus strand): 5'-CACCAGGCTCTGCAGAAGGCTTTAACCAAGCAGATAAGGCAATAAACACCGCTGTAAAGT[C>T]GGGCAGGTAGGCCTGTTCTCTTTGGCTGAAGAAAGCCTTAGTCCCCAGGCATTCAGGCAG-3'
Protein context (NP_001367.2, residues 4080-4100): ADKAINTAVK[Ser4090Leu]GRWVMLKNVH

ClinVar aggregate classification (germline): Uncertain significance. Review status: criteria provided, multiple submitters, no conflicts (2 of 4 stars). 2 submissions from 2 submitters: Uncertain significance (2). Last evaluated 2026-03-10.

Conditions:
Inborn genetic diseases. Identifiers: MedGen C0950123, MeSH D030342.
Charcot-Marie-Tooth disease axonal type 2O. Also called: Charcot-Marie-Tooth disease, axonal, type 20; CHARCOT-MARIE-TOOTH NEUROPATHY, AXONAL, TYPE 2O; CHARCOT-MARIE-TOOTH DISEASE, AXONAL, AUTOSOMAL DOMINANT, TYPE 2O; Charcot-Marie-Tooth Neuropathy Type 2O. Identifiers: Orphanet 284232, MedGen C3280220, MONDO:0013644, OMIM 614228.

Allele frequency attached by ClinVar (database versions not stated): gnomAD exomes below 0.00001; TOPMed below 0.00001; gnomAD 0.00001.
gnomAD v4.1: 2 of 1,613,930 alleles (0.00012%); highest among the groups gnomAD compares: Non-Finnish European, 0.00017%; no homozygotes.

Submissions (2):

Ambry Genetics
Classification: Uncertain significance for Inborn genetic diseases. Last evaluated: 2026-03-10. Review status: criteria provided, single submitter. Criteria: Ambry Variant Classification Scheme 2023. Collection method: clinical testing. Allele origin: germline.

Labcorp Genetics (formerly Invitae), Labcorp
Classification: Uncertain significance for Charcot-Marie-Tooth disease axonal type 2O. Last evaluated: 2022-12-09. Review status: criteria provided, single submitter. Criteria: Invitae Variant Classification Sherloc (09022015). Collection method: clinical testing. Allele origin: germline.
Comment: This variant has not been reported in the literature in individuals affected with DYNC1H1-related conditions. ClinVar contains an entry for this variant (Variation ID: 1754243). Advanced modeling of protein sequence and biophysical properties (such as structural, functional, and spatial information, amino acid conservation, physicochemical variation, residue mobility, and thermodynamic stability) performed at Invitae indicates that this missense variant is not expected to disrupt DYNC1H1 protein function. In summary, the available evidence is currently insufficient to determine the role of this variant in disease. Therefore, it has been classified as a Variant of Uncertain Significance. This variant is not present in population databases (gnomAD no frequency). This sequence change replaces serine, which is neutral and polar, with leucine, which is neutral and non-polar, at codon 4090 of the DYNC1H1 protein (p.Ser4090Leu).